The following is an entry in ClinVar:

ClinVar aggregate classification (germline): Conflicting classifications of pathogenicity. Review status: criteria provided, conflicting classifications (1 of 4 stars). 11 submissions from 11 submitters: Uncertain significance (2); Benign (2); Likely benign (4). 3 of the submissions do not count toward it. Last evaluated 2026-09-01.

Conditions:
Inborn genetic diseases. Identifiers: MedGen C0950123, MeSH D030342.
SZT2-related disorder. Also called: SZT2-related condition.
Developmental and epileptic encephalopathy, 18 (DEE18). Also called: Early infantile epileptic encephalopathy 18. Identifiers: Orphanet 369894, MedGen C3809624, MONDO:0014201, OMIM 615476.

Allele frequency attached by ClinVar (database versions not stated): gnomAD exomes 0.00328 and 0.00190; 1000 Genomes Project 0.00160; ExAC 0.00171; 1000 Genomes Project 30x 0.00172; ESP Exome Variant Server 0.00192; TOPMed 0.00196; gnomAD 0.00197 and 0.00200.
gnomAD v4.1: 5,104 of 1,613,798 alleles (0.32%); highest among the groups gnomAD compares: Non-Finnish European, 0.38%; 14 homozygotes.

Submissions (11):

CeGaT Center for Human Genetics Tuebingen
Classification: Likely benign. Last evaluated: 2026-09-01. Review status: criteria provided, single submitter. Criteria: CeGaT Center For Human Genetics Tuebingen Variant Classification Criteria Version 2. Collection method: clinical testing. Allele origin: germline. Affected: yes. Observed: 23 variant alleles.
Comment: SZT2: BP4, BS2

Labcorp Genetics (formerly Invitae), Labcorp
Classification: Benign. Last evaluated: 2026-02-03. Review status: criteria provided, single submitter. Criteria: Invitae Variant Classification Sherloc (09022015). Collection method: clinical testing. Allele origin: germline.

ARUP Laboratories, Molecular Genetics and Genomics, ARUP Laboratories
Classification: Likely benign for Developmental and epileptic encephalopathy, 18. Last evaluated: 2025-04-16. Review status: criteria provided, single submitter. Criteria: ARUP Molecular Germline Variant Investigation Process 2024. Collection method: clinical testing. Allele origin: germline.

Blueprint Genetics
Classification: Likely benign. Last evaluated: 2024-11-26. Review status: criteria provided, single submitter. Criteria: ACMG Guidelines, 2015. Collection method: clinical testing. Allele origin: germline.

GeneDx
Classification: Likely benign. Last evaluated: 2020-08-31. Review status: criteria provided, single submitter. Criteria: GeneDx Variant Classification Process June 2021. Collection method: clinical testing. Allele origin: germline. Affected: yes.

Baylor Genetics
Classification: Uncertain significance for Developmental and epileptic encephalopathy, 18. Last evaluated: 2018-01-13. Review status: criteria provided, single submitter. Criteria: ACMG Guidelines, 2015. Collection method: clinical testing. Allele origin: unknown. Affected: yes.
Comment: This variant was determined to be of uncertain significance according to ACMG Guidelines, 2015 [PMID:25741868].

Athena Diagnostics
Classification: Uncertain significance. Last evaluated: 2017-08-29. Review status: criteria provided, single submitter. Criteria: Athena Diagnostics Criteria. Collection method: clinical testing. Allele origin: germline.

Ambry Genetics
Classification: Benign for Inborn genetic diseases. Last evaluated: 2017-06-15. Review status: criteria provided, single submitter. Criteria: Ambry Variant Classification Scheme 2023. Collection method: clinical testing. Allele origin: germline.

PreventionGenetics, part of Exact Sciences
Classification: Likely benign for SZT2-related condition. Last evaluated: 2020-07-28. Review status: no assertion criteria provided. Collection method: clinical testing. Allele origin: germline. Not counted in ClinVar's aggregate classification.
Comment: This variant is classified as likely benign based on ACMG/AMP sequence variant interpretation guidelines (Richards et al. 2015 PMID: 25741868, with internal and published modifications).

Clinical Genetics DNA and cytogenetics Diagnostics Lab, Erasmus MC, Erasmus Medical Center
Classification: Likely benign. Review status: no assertion criteria provided. Collection method: clinical testing. Allele origin: germline. Affected: yes. Study: VKGL Data-share Consensus. Not counted in ClinVar's aggregate classification.

Genome Diagnostics Laboratory, University Medical Center Utrecht
Classification: Likely benign. Review status: no assertion criteria provided. Collection method: clinical testing. Allele origin: germline. Affected: yes. Study: VKGL Data-share Consensus. Not counted in ClinVar's aggregate classification.

NM_001365999.1(SZT2):c.4898C>T (p.Ser1633Leu)

Gene: SZT2 (SZT2 subunit of KICSTOR complex; plus strand). Cytogenetic location: 1p34.2.
Variant type: single nucleotide variant.
Coding change: c.4898C>T on transcript NM_001365999.1 (MANE Select); coding-DNA position 4898, C replaced by T.
Protein change: p.Ser1633Leu; replaces serine 1633 with leucine.
Molecular consequence: missense variant.
Genome position (GRCh38, 1-based): chr1:43,431,072, C>T. VCF-style: chr1-43431072-C-T. GRCh37 (hg19) VCF-style: chr1-43896743-C-T.
Other names: c.4727C>T, p.Ser1576Leu (NM_015284.4); short protein forms S1576L, S1633L.
Identifiers: ClinVar variation 586766 (VCV000586766.94), dbSNP rs138762270, ClinGen allele CA809397.